The following is an entry in ClinVar:

ClinVar aggregate classification (germline): Uncertain significance. Review status: criteria provided, multiple submitters, no conflicts (2 of 4 stars). 2 submissions from 2 submitters: Uncertain significance (2). Last evaluated 2024-04-20.

Conditions:
Inborn genetic diseases. Identifiers: MedGen C0950123, MeSH D030342.

Allele frequency attached by ClinVar (database versions not stated): ExAC 0.00001; gnomAD 0.00001 and 0.00002; gnomAD exomes 0.00001; TOPMed 0.00003; 1000 Genomes Project 0.00020; 1000 Genomes Project 30x 0.00031.
gnomAD v4.1: 13 of 1,503,010 alleles (0.00086%); highest among the groups gnomAD compares: African/African-American, 0.0056%; no homozygotes.

Submissions (2):

Ambry Genetics
Classification: Uncertain significance for Inborn genetic diseases. Last evaluated: 2024-04-20. Review status: criteria provided, single submitter. Criteria: Ambry Variant Classification Scheme 2023. Collection method: clinical testing. Allele origin: germline.

Labcorp Genetics (formerly Invitae), Labcorp
Classification: Uncertain significance. Last evaluated: 2024-01-05. Review status: criteria provided, single submitter. Criteria: Invitae Variant Classification Sherloc (09022015). Collection method: clinical testing. Allele origin: germline.
Comment: This sequence change replaces glutamic acid, which is acidic and polar, with lysine, which is basic and polar, at codon 690 of the TONSL protein (p.Glu690Lys). The frequency data for this variant in the population databases is considered unreliable, as metrics indicate poor data quality at this position in the gnomAD database. This variant has not been reported in the literature in individuals affected with TONSL-related conditions. ClinVar contains an entry for this variant (Variation ID: 1416541). Advanced modeling of protein sequence and biophysical properties (such as structural, functional, and spatial information, amino acid conservation, physicochemical variation, residue mobility, and thermodynamic stability) performed at Invitae indicates that this missense variant is expected to disrupt TONSL protein function with a positive predictive value of 80%. In summary, the available evidence is currently insufficient to determine the role of this variant in disease. Therefore, it has been classified as a Variant of Uncertain Significance.

NM_013432.5(TONSL):c.2068G>A (p.Glu690Lys)

Genes: TONSL-AS1 (TONSL antisense RNA 1; plus strand), TONSL (tonsoku like, DNA repair protein; minus strand). Cytogenetic location: 8q24.3.
Variant type: single nucleotide variant.
Coding change: c.2068G>A on transcript NM_013432.5 (MANE Select); coding-DNA position 2068, G replaced by A.
Protein change: p.Glu690Lys; replaces glutamic acid 690 with lysine.
Molecular consequence: missense variant.
Genome position (GRCh38, 1-based): chr8:144,436,365, C>T on the plus strand (G>A on the coding strand, the complement: TONSL is on the minus strand). VCF-style: chr8-144436365-C-T. GRCh37 (hg19) VCF-style: chr8-145661748-C-T.
Other names: c.2068G>A (NM_013432.4); short protein forms E690K.
Identifiers: ClinVar variation 1416541 (VCV001416541.8), dbSNP rs546911071, ClinGen allele CA4942924.